The following is an entry in ClinVar:

ClinVar aggregate classification (germline): Uncertain significance (1 of 4 stars; one submission).

Submission:

Labcorp Genetics (formerly Invitae), Labcorp
Classification: Uncertain significance. Last evaluated: 2025-04-30. Review status: criteria provided, single submitter. Criteria: Invitae Variant Classification Sherloc (09022015). Collection method: clinical testing. Allele origin: germline.
Comment: This sequence change replaces serine, which is neutral and polar, with glycine, which is neutral and non-polar, at codon 1654 of the PRPF8 protein (p.Ser1654Gly). This variant is not present in population databases (gnomAD no frequency). This variant has not been reported in the literature in individuals affected with PRPF8-related conditions. Invitae Evidence Modeling of protein sequence and biophysical properties (such as structural, functional, and spatial information, amino acid conservation, physicochemical variation, residue mobility, and thermodynamic stability) indicates that this missense variant is not expected to disrupt PRPF8 protein function with a negative predictive value of 80%. In summary, the available evidence is currently insufficient to determine the role of this variant in disease. Therefore, it has been classified as a Variant of Uncertain Significance.

NM_006445.4(PRPF8):c.4960A>G (p.Ser1654Gly)

Gene: PRPF8 (pre-mRNA processing factor 8; minus strand). Cytogenetic location: 17p13.3.
Variant type: single nucleotide variant.
Coding change: c.4960A>G on transcript NM_006445.4 (MANE Select); coding-DNA position 4960, A replaced by G.
Protein change: p.Ser1654Gly; replaces serine 1654 with glycine.
Molecular consequence: missense variant.
Genome position (GRCh38, 1-based): chr17:1,659,535, T>C on the plus strand (A>G on the coding strand, the complement: PRPF8 is on the minus strand). VCF-style: chr17-1659535-T-C. GRCh37 (hg19) VCF-style: chr17-1562829-T-C.
Other names: short protein forms S1654G.
Identifiers: ClinVar variation 4742787 (VCV004742787.1).